The following is an entry in ClinVar:

NM_001371986.1(UNC80):c.3956A>G (p.Glu1319Gly)

Gene: UNC80 (unc-80 homolog, NALCN channel complex subunit; plus strand). Cytogenetic location: 2q34.
Variant type: single nucleotide variant.
Coding change: c.3956A>G on transcript NM_001371986.1 (MANE Select); coding-DNA position 3956, A replaced by G.
Protein change: p.Glu1319Gly; replaces glutamic acid 1319 with glycine.
Molecular consequence: missense variant.
Genome position (GRCh38, 1-based): chr2:209,878,069, A>G. VCF-style: chr2-209878069-A-G. GRCh37 (hg19) VCF-style: chr2-210742793-A-G.
Other names: c.3962A>G, p.Glu1321Gly (NM_032504.2); c.3947A>G, p.Glu1316Gly (NM_182587.4); short protein forms E1321G, E1316G, E1319G.
Identifiers: ClinVar variation 1444679 (VCV001444679.4), dbSNP rs2124891107, ClinGen allele CA350746007.

ClinVar aggregate classification (germline): Uncertain significance (1 of 4 stars; one submission).

Submission:

Labcorp Genetics (formerly Invitae), Labcorp
Classification: Uncertain significance. Last evaluated: 2023-08-10. Review status: criteria provided, single submitter. Criteria: Invitae Variant Classification Sherloc (09022015). Collection method: clinical testing. Allele origin: germline.
Comment: This sequence change replaces glutamic acid with glycine at codon 1321 of the UNC80 protein (p.Glu1321Gly). The glutamic acid residue is moderately conserved and there is a moderate physicochemical difference between glutamic acid and glycine. This variant is not present in population databases (gnomAD no frequency). This variant has not been reported in the literature in individuals affected with UNC80-related conditions. ClinVar contains an entry for this variant (Variation ID: 1444679). An algorithm developed to predict the effect of missense changes on protein structure and function (PolyPhen-2) suggests that this variant is likely to be disruptive. In summary, the available evidence is currently insufficient to determine the role of this variant in disease. Therefore, it has been classified as a Variant of Uncertain Significance.